The following is an entry in ClinVar:

ClinVar aggregate classification (germline): Likely benign. Review status: criteria provided, multiple submitters, no conflicts (2 of 4 stars). 2 submissions from 2 submitters: Likely benign (2). Last evaluated 2025-12-22.

Conditions:
ITPR1-related disorder. Also called: ITPR1-related condition.

gnomAD v4.1: 1 of 1,590,562 alleles (0.000063%); highest among the groups gnomAD compares: Middle Eastern, 0.017%; no homozygotes.

Submissions (2):

Labcorp Genetics (formerly Invitae), Labcorp
Classification: Likely benign. Last evaluated: 2025-12-22. Review status: criteria provided, single submitter. Criteria: Invitae Variant Classification Sherloc (09022015). Collection method: clinical testing. Allele origin: germline.

PreventionGenetics, part of Exact Sciences
Classification: Likely benign for ITPR1-related condition. Last evaluated: 2024-11-18. Review status: criteria provided, single submitter. Criteria: ACMG Guidelines, 2015. Collection method: clinical testing. Allele origin: germline.
Comment: This variant is classified as likely benign based on ACMG/AMP sequence variant interpretation guidelines (Richards et al. 2015 PMID: 25741868, with internal and published modifications).

NM_001378452.1(ITPR1):c.7868-8A>C

Gene: ITPR1 (inositol 1,4,5-trisphosphate receptor type 1; plus strand). Cytogenetic location: 3p26.1.
Variant type: single nucleotide variant.
Coding change: c.7868-8A>C on transcript NM_001378452.1 (MANE Select); 8 bases into the intron before coding-DNA position 7868, A replaced by C.
Molecular consequence: intron variant.
Genome position (GRCh38, 1-based): chr3:4,818,074, A>C. VCF-style: chr3-4818074-A-C. GRCh37 (hg19) VCF-style: chr3-4859758-A-C.
Other names: c.7724-8A>C (NM_001099952.4); c.7823-8A>C (NM_001168272.2); c.7679-8A>C (NM_002222.7, NM_002222.5).
Identifiers: ClinVar variation 4718829 (VCV004718829.2).
Genomic context (GRCh38, chr3:4,818,074, plus strand): 5'-TGTTATTGATTTTTTTTCTTTACCAAGGCTGCTCAGCTGGGGCTGGGGGCTTTTTGTCTC[A>C]TTTTTAGGCTTGGAAAGAGACAAGTTTGACAACAAGACTGTCACCTTTGAAGAGCACATC-3'